The following is an entry in ClinVar:

ClinVar aggregate classification (germline): Uncertain significance (1 of 4 stars; one submission).

Submission:

Labcorp Genetics (formerly Invitae), Labcorp
Classification: Uncertain significance. Last evaluated: 2023-11-13. Review status: criteria provided, single submitter. Criteria: Invitae Variant Classification Sherloc (09022015). Collection method: clinical testing. Allele origin: germline.
Comment: This sequence change replaces tyrosine, which is neutral and polar, with cysteine, which is neutral and slightly polar, at codon 215 of the NKX2-1 protein (p.Tyr215Cys). This variant is not present in population databases (gnomAD no frequency). This variant has not been reported in the literature in individuals affected with NKX2-1-related conditions. An algorithm developed to predict the effect of missense changes on protein structure and function (PolyPhen-2) suggests that this variant is likely to be disruptive. In summary, the available evidence is currently insufficient to determine the role of this variant in disease. Therefore, it has been classified as a Variant of Uncertain Significance.

NM_001079668.3(NKX2-1):c.644A>G (p.Tyr215Cys)

Genes: NKX2-1 (NK2 homeobox 1; minus strand), SFTA3 (surfactant associated 3; minus strand). Cytogenetic location: 14q13.3.
Variant type: single nucleotide variant.
Coding change: c.644A>G on transcript NM_001079668.3 (MANE Select); coding-DNA position 644, A replaced by G.
Protein change: p.Tyr215Cys; replaces tyrosine 215 with cysteine.
Molecular consequence: missense variant.
Genome position (GRCh38, 1-based): chr14:36,517,840, T>C on the plus strand (A>G on the coding strand, the complement: NKX2-1 is on the minus strand). VCF-style: chr14-36517840-T-C. GRCh37 (hg19) VCF-style: chr14-36987045-T-C.
Other names: c.554A>G, p.Tyr185Cys (NM_003317.4); short protein forms Y185C, Y215C.
Identifiers: ClinVar variation 2695518 (VCV002695518.3), dbSNP rs2502629043, ClinGen allele CA389459362.